The following is an entry in ClinVar:

NM_001330078.2(NRXN1):c.4134del (p.Asp1379fs)

Gene: NRXN1 (neurexin 1; minus strand). Cytogenetic location: 2p16.3.
Variant type: Deletion.
Coding change: c.4134del on transcript NM_001330078.2 (MANE Select); coding-DNA position 4134, one base deleted (A; older notation c.4134delA).
Protein change: p.Asp1379fs; shifts the reading frame from aspartic acid 1379.
Molecular consequence: frameshift variant.
Genome position (GRCh38, 1-based): chr2:49,943,786, T deleted on the plus strand (A on the coding strand, the reverse complement: NRXN1 is on the minus strand). VCF-style (leftmost placement, unchanged base first): chr2-49943785-CT-C. GRCh37 (hg19) VCF-style: chr2-50170923-CT-C.
Other names: c.4254del, p.Asp1419fs (NM_001135659.3); c.39del, p.Asp14fs (NM_001320156.4, NM_001320157.4); c.4110del, p.Asp1371fs (NM_001330077.2, NM_001330082.2); c.3978del, p.Asp1327fs (NM_001330083.2); c.4068del, p.Asp1357fs (NM_001330084.2); c.4107del, p.Asp1370fs (NM_001330085.2); c.4134del, p.Asp1379fs (NM_001330086.2); c.3933del, p.Asp1312fs (NM_001330087.2, NM_001330096.2); and 7 more; short protein forms D1312fs, D1322fs, D1327fs, D1332fs, D1349fs, D1357fs, D1370fs, D1371fs.
Identifiers: ClinVar variation 1196302 (VCV001196302.2), dbSNP rs2104382290, ClinGen allele CA2499216162.

ClinVar aggregate classification (germline): Likely pathogenic (1 of 4 stars; one submission).

Submission:

GeneDx
Classification: Likely pathogenic. Last evaluated: 2019-09-17. Review status: criteria provided, single submitter. Criteria: GeneDx Variant Classification Process June 2021. Collection method: clinical testing. Allele origin: germline. Affected: yes.
Comment: Frameshift variant in the C-terminus predicted to result in protein truncation, as the last 129 amino acids are lost and replaced with 27 incorrect amino acids; Not observed in large population cohorts (Lek et al., 2016); Has not been previously published as pathogenic or benign to our knowledge